The following is an entry in ClinVar:

ClinVar aggregate classification (germline): Uncertain significance (1 of 4 stars; one submission).

Conditions:
Atrioventricular septal defect 4 (AVSD4). Identifiers: MedGen C3280781, MONDO:0013747, OMIM 614430.

gnomAD v4.1: 3 of 1,614,156 alleles (0.00019%); highest among the groups gnomAD compares: African/African-American, 0.004%; no homozygotes.

Submission:

Labcorp Genetics (formerly Invitae), Labcorp
Classification: Uncertain significance for Atrioventricular septal defect 4. Last evaluated: 2024-11-23. Review status: criteria provided, single submitter. Criteria: Invitae Variant Classification Sherloc (09022015). Collection method: clinical testing. Allele origin: germline.
Comment: This sequence change replaces threonine, which is neutral and polar, with isoleucine, which is neutral and non-polar, at codon 355 of the GATA4 protein (p.Thr355Ile). This variant is present in population databases (no rsID available, gnomAD 0.01%). This variant has not been reported in the literature in individuals affected with GATA4-related conditions. Invitae Evidence Modeling of protein sequence and biophysical properties (such as structural, functional, and spatial information, amino acid conservation, physicochemical variation, residue mobility, and thermodynamic stability) indicates that this missense variant is not expected to disrupt GATA4 protein function with a negative predictive value of 95%. In summary, the available evidence is currently insufficient to determine the role of this variant in disease. Therefore, it has been classified as a Variant of Uncertain Significance.

NM_001308093.3(GATA4):c.1067C>T (p.Thr356Ile)

Gene: GATA4 (GATA binding protein 4). Cytogenetic location: 8p23.1.
Variant type: single nucleotide variant.
Coding change: c.1067C>T on transcript NM_001308093.3 (MANE Select); coding-DNA position 1067, C replaced by T.
Protein change: p.Thr356Ile; replaces threonine 356 with isoleucine.
Molecular consequence: missense variant.
Genome position (GRCh38, 1-based): chr8:11,757,001, C>T. VCF-style: chr8-11757001-C-T. GRCh37 (hg19) VCF-style: chr8-11614510-C-T.
Other names: c.446C>T, p.Thr149Ile (NM_001308094.2, NM_001374273.1); c.320C>T, p.Thr107Ile (NM_001374274.1); c.1064C>T, p.Thr355Ile (NM_002052.5); short protein forms T355I, T356I, T107I, T149I.
Identifiers: ClinVar variation 3630945 (VCV003630945.2).
Genomic context (GRCh38, chr8:11,757,001, plus strand): 5'-CAGGCAGTGAGAGCCTTCCTCCCGCCAGCGGTGCTTCCAGCAACTCCAGCAACGCCACCA[C>T]CAGCAGCAGCGAGGAGATGCGTCCCATCAAGACGGAGCCTGGCCTGTCATCTCACTACGG-3'
Protein context (NP_001295022.1, residues 346-366): GASSNSSNAT[Thr356Ile]SSSEEMRPIK